The following is an entry in ClinVar:

NM_198578.4(LRRK2):c.1625T>G (p.Ile542Ser)

Gene: LRRK2 (leucine rich repeat kinase 2; plus strand). Cytogenetic location: 12q12.
Variant type: single nucleotide variant.
Coding change: c.1625T>G on transcript NM_198578.4 (MANE Select); coding-DNA position 1625, T replaced by G.
Protein change: p.Ile542Ser; replaces isoleucine 542 with serine.
Molecular consequence: missense variant.
Genome position (GRCh38, 1-based): chr12:40,263,870, T>G. VCF-style: chr12-40263870-T-G. GRCh37 (hg19) VCF-style: chr12-40657672-T-G.
Other names: short protein forms I542S.
Identifiers: ClinVar variation 1776688 (VCV001776688.2), dbSNP rs1942887564, ClinGen allele CA384399135.

ClinVar aggregate classification (germline): Uncertain significance (1 of 4 stars; one submission).

Conditions:
Inborn genetic diseases. Identifiers: MedGen C0950123, MeSH D030342.

Submission:

Ambry Genetics
Classification: Uncertain significance for Inborn genetic diseases. Last evaluated: 2021-09-07. Review status: criteria provided, single submitter. Criteria: Ambry Variant Classification Scheme 2023. Collection method: clinical testing. Allele origin: germline.
Comment: The p.I542S variant (also known as c.1625T>G), located in coding exon 14 of the LRRK2 gene, results from a T to G substitution at nucleotide position 1625. The isoleucine at codon 542 is replaced by serine, an amino acid with dissimilar properties. This amino acid position is conserved. In addition, the in silico prediction for this alteration is inconclusive. Since supporting evidence is limited at this time, the clinical significance of this alteration remains unclear.